The following is an entry in ClinVar:

NM_000551.4(VHL):c.7del (p.Arg3fs)

Gene: VHL (von Hippel-Lindau tumor suppressor; plus strand). Cytogenetic location: 3p25.3.
Variant type: Deletion.
Coding change: c.7del on transcript NM_000551.4 (MANE Select); coding-DNA position 7, one base deleted (C; older notation c.7delC).
Protein change: p.Arg3fs; shifts the reading frame from arginine 3.
Molecular consequence: frameshift variant.
Genome position (GRCh38, 1-based): chr3:10,141,854, C deleted; the last of 4 consecutive C bases (chr3:10,141,851-10,141,854); deleting any one gives the same sequence. VCF-style (leftmost placement, unchanged base first): chr3-10141850-GC-G. GRCh37 (hg19) VCF-style: chr3-10183534-GC-G.
Other names: c.7del, p.Arg3fs (NM_001354723.2, NM_198156.3); short protein forms R3fs.
Identifiers: ClinVar variation 827380 (VCV000827380.4), dbSNP rs1575920798, ClinGen allele CA915941832.

ClinVar aggregate classification (germline): Uncertain significance (1 of 4 stars; one submission).

Conditions:
Hereditary cancer-predisposing syndrome. Also called: Neoplastic Syndromes, Hereditary; Tumor predisposition; Hereditary neoplastic syndrome; Hereditary Cancer Syndrome. Identifiers: Orphanet 140162, MedGen C0027672, MeSH D009386, MONDO:0015356.

Submission:

Ambry Genetics
Classification: Uncertain significance for Hereditary cancer-predisposing syndrome. Last evaluated: 2018-08-22. Review status: criteria provided, single submitter. Criteria: Ambry Variant Classification Scheme 2023. Collection method: clinical testing. Allele origin: germline.
Comment: The c.7delC variant, located in coding exon 1 of the VHL gene, results from a deletion of one nucleotide at nucleotide position 7, causing a translational frameshift with a predicted alternate stop codon (p.R3Gfs*11). Premature stop codons are typically deleterious in nature; however, an alternate initiation codon exists 41 amino acids downstream from this alteration, and is reported to result in a biologically active isoform, known as VHL19 (Iliopoulos O et al, Proc. Natl. Acad. Sci. U.S.A. 1998 Sep; 95(20):11661-6. Schoenfeld A et al, Proc. Natl. Acad. Sci. U.S.A. 1998 Jul; 95(15):8817-22). Since supporting evidence is limited at this time, the clinical significance of this alteration remains unclear.